The following is an entry in ClinVar:

ClinVar aggregate classification (germline): Uncertain significance (1 of 4 stars; one submission).

gnomAD v4.1: 3 of 1,612,070 alleles (0.00019%); highest among the groups gnomAD compares: South Asian, 0.0022%; no homozygotes.

Submission:

Labcorp Genetics (formerly Invitae), Labcorp
Classification: Uncertain significance. Last evaluated: 2025-04-28. Review status: criteria provided, single submitter. Criteria: Invitae Variant Classification Sherloc (09022015). Collection method: clinical testing. Allele origin: germline.
Comment: This sequence change replaces proline, which is neutral and non-polar, with threonine, which is neutral and polar, at codon 564 of the COL9A3 protein (p.Pro564Thr). This variant is present in population databases (rs143489071, gnomAD 0.003%). This variant has not been reported in the literature in individuals affected with COL9A3-related conditions. ClinVar contains an entry for this variant (Variation ID: 1951781). Invitae Evidence Modeling of protein sequence and biophysical properties (such as structural, functional, and spatial information, amino acid conservation, physicochemical variation, residue mobility, and thermodynamic stability) indicates that this missense variant is not expected to disrupt COL9A3 protein function with a negative predictive value of 95%. In summary, the available evidence is currently insufficient to determine the role of this variant in disease. Therefore, it has been classified as a Variant of Uncertain Significance.

NM_001853.4(COL9A3):c.1690C>A (p.Pro564Thr)

Gene: COL9A3 (collagen type IX alpha 3 chain; plus strand). Cytogenetic location: 20q13.33.
Variant type: single nucleotide variant.
Coding change: c.1690C>A on transcript NM_001853.4 (MANE Select); coding-DNA position 1690, C replaced by A.
Protein change: p.Pro564Thr; replaces proline 564 with threonine.
Molecular consequence: missense variant.
Genome position (GRCh38, 1-based): chr20:62,837,169, C>A. VCF-style: chr20-62837169-C-A. GRCh37 (hg19) VCF-style: chr20-61468521-C-A.
Other names: short protein forms P564T.
Identifiers: ClinVar variation 1951781 (VCV001951781.5), dbSNP rs143489071, ClinGen allele CA9950156.